The following is an entry in ClinVar:

NM_007294.4(BRCA1):c.4712del (p.Phe1571fs)

Gene: BRCA1 (BRCA1 DNA repair associated; minus strand). Cytogenetic location: 17q21.31.
Variant type: Deletion.
Coding change: c.4712del on transcript NM_007294.4 (MANE Select); coding-DNA position 4712, one base deleted (T; older notation c.4712delT).
Protein change: p.Phe1571fs; shifts the reading frame from phenylalanine 1571.
Molecular consequence: frameshift variant. On other transcripts: non-coding transcript variant (1).
Genome position (GRCh38, 1-based): chr17:43,071,202, A deleted on the plus strand (T on the coding strand, the reverse complement: BRCA1 is on the minus strand); the first of 2 consecutive A bases (chr17:43,071,202-43,071,203); deleting either gives the same sequence. VCF-style (leftmost placement, unchanged base first): chr17-43071201-GA-G. GRCh37 (hg19) VCF-style: chr17-41223218-GA-G.
Other names: c.4712delT (NM_007294.3); c.4498delT, p.Phe1500Serfs (NM_001407571.1, NM_001407894.1, NM_001407895.1 and 12 more transcripts); c.4777delT, p.Phe1593Serfs (NM_001407581.1, NM_001407582.1); c.4774delT, p.Phe1592Serfs (NM_001407583.1, NM_001407585.1, NM_001407587.1); c.4771delT, p.Phe1591Serfs (NM_001407590.1, NM_001407591.1); c.4711delT, p.Phe1571Serfs (NM_001407593.1, NM_001407594.1, NM_001407596.1 and 8 more transcripts); c.4708delT, p.Phe1570Serfs (NM_001407610.1, NM_001407611.1, NM_001407612.1 and 17 more transcripts); c.4705delT, p.Phe1569Serfs (NM_001407627.1, NM_001407628.1, NM_001407629.1 and 14 more transcripts); and 74 more; short protein forms F1524fs, F1592fs, F467fs, F1571fs.
Identifiers: ClinVar variation 224424 (VCV000224424.8), dbSNP rs886037790, ClinGen allele CA10575941.

ClinVar aggregate classification (germline): Pathogenic. Review status: reviewed by expert panel (3 of 4 stars). 3 submissions from 3 submitters: Pathogenic (1). 2 of the submissions do not count toward it. Last evaluated 2017-12-15.

Conditions:
Breast-ovarian cancer, familial, susceptibility to, 1 (BROVCA1). Also called: BRCA1 Hereditary Breast and Ovarian Cancer; OVARIAN CANCER, SUSCEPTIBILITY TO. Identifiers: Orphanet 145, MedGen C2676676, MONDO:0011450, OMIM 604370. Disease mechanism: loss of function.
Hereditary breast ovarian cancer syndrome. Also called: Breast and ovarian cancer; Hereditary breast and ovarian cancer; Hereditary breast and ovarian cancer syndrome; Hereditary breast and/or ovarian cancer syndrome; BRCA1- and BRCA2-Associated Hereditary Breast and Ovarian Cancer; Hereditary breast and ovarian cancer syndrome (HBOC). Identifiers: Orphanet 145, MedGen C0677776, MeSH D061325, MONDO:0003582. Disease mechanism: loss of function.
Breast neoplasm. Also called: Breast Neoplasms; Neoplasm of the breast; Neoplasm of breast; Breast tumor. Identifiers: MedGen C1458155, MeSH D001943, MONDO:0021100, HP:0100013. Disease mechanism: gain of function.

Submissions (3):

Evidence-based Network for the Interpretation of Germline Mutant Alleles (ENIGMA)
Classification: Pathogenic for Breast-ovarian cancer, familial, susceptibility to, 1. Last evaluated: 2017-12-15. Review status: reviewed by expert panel. Criteria: ENIGMA BRCA1/2 Classification Criteria (2017-06-29). Collection method: curation. Allele origin: germline. Study: ENIGMA.
Comment: Variant allele predicted to encode a truncated non-functional protein.

Labcorp Genetics (formerly Invitae), Labcorp
Classification: Pathogenic for Hereditary breast ovarian cancer syndrome. Last evaluated: 2022-06-18. Review status: criteria provided, single submitter. Criteria: Invitae Variant Classification Sherloc (09022015). Collection method: clinical testing. Allele origin: germline. Not counted in ClinVar's aggregate classification.
Comment: For these reasons, this variant has been classified as Pathogenic. ClinVar contains an entry for this variant (Variation ID: 224424). This premature translational stop signal has been observed in individual(s) with breast and ovarian cancer (PMID: 27257965, 30972954). This variant is not present in population databases (gnomAD no frequency). This sequence change creates a premature translational stop signal (p.Phe1571Serfs*30) in the BRCA1 gene. It is expected to result in an absent or disrupted protein product. Loss-of-function variants in BRCA1 are known to be pathogenic (PMID: 20104584).

Laboratory of Molecular Diagnosis of Cancer, West China Hospital, Sichuan University
Classification: Pathogenic for Breast neoplasm. Last evaluated: 2015-11-01. Review status: criteria provided, single submitter. Criteria: ACMG Guidelines, 2015. Collection method: research. Allele origin: germline. Affected: yes. Observed: 1 variant allele. Not counted in ClinVar's aggregate classification.

Literature cited by the submitters: PubMed 27257965 (cited by Labcorp Genetics (formerly Invitae), Labcorp and Laboratory of Molecular Diagnosis of Cancer, West China Hospital, Sichuan University); PubMed 30972954 (cited by Labcorp Genetics (formerly Invitae), Labcorp); PubMed 20104584 (cited by Labcorp Genetics (formerly Invitae), Labcorp).